The following is an entry in ClinVar:

ClinVar aggregate classification (germline): Uncertain significance (1 of 4 stars; one submission).

gnomAD v4.1: 9 of 1,613,692 alleles (0.00056%); highest among the groups gnomAD compares: South Asian, 0.0099%; no homozygotes.

Submission:

Labcorp Genetics (formerly Invitae), Labcorp
Classification: Uncertain significance. Last evaluated: 2025-07-23. Review status: criteria provided, single submitter. Criteria: Invitae Variant Classification Sherloc (09022015). Collection method: clinical testing. Allele origin: germline.
Comment: This sequence change replaces serine, which is neutral and polar, with tyrosine, which is neutral and polar, at codon 685 of the COL9A2 protein (p.Ser685Tyr). This variant is present in population databases (rs761675654, gnomAD 0.01%). This variant has not been reported in the literature in individuals affected with COL9A2-related conditions. Invitae Evidence Modeling of protein sequence and biophysical properties (such as structural, functional, and spatial information, amino acid conservation, physicochemical variation, residue mobility, and thermodynamic stability) indicates that this missense variant is not expected to disrupt COL9A2 protein function with a negative predictive value of 95%. In summary, the available evidence is currently insufficient to determine the role of this variant in disease. Therefore, it has been classified as a Variant of Uncertain Significance.

NM_001852.4(COL9A2):c.2054C>A (p.Ser685Tyr)

Gene: COL9A2 (collagen type IX alpha 2 chain; minus strand). Cytogenetic location: 1p34.2.
Variant type: single nucleotide variant.
Coding change: c.2054C>A on transcript NM_001852.4 (MANE Select); coding-DNA position 2054, C replaced by A.
Protein change: p.Ser685Tyr; replaces serine 685 with tyrosine.
Molecular consequence: missense variant.
Genome position (GRCh38, 1-based): chr1:40,301,198, G>T on the plus strand (C>A on the coding strand, the complement: COL9A2 is on the minus strand). VCF-style: chr1-40301198-G-T. GRCh37 (hg19) VCF-style: chr1-40766870-G-T.
Other names: short protein forms S685Y.
Identifiers: ClinVar variation 4769859 (VCV004769859.1).
Genomic context (GRCh38, chr1:40,301,198, plus strand): 5'-CCTTCCCGCCAGGATGCCTGCCAGGCTCTGTCTGGGCCTGATGCTCAAGGCCCCTTGATG[G>T]ATCCAGGCTCTGTAAGGCGGGCAGAGGCATAGGCCGAAGCTCCAAGGCAGGCGGCAGGTT-3'
Protein context (NP_001843.1, residues 675-689): YASARLTEPG[Ser685Tyr]IKGP